The following is an entry in ClinVar:

NM_020937.4(FANCM):c.2624T>C (p.Ile875Thr)

Gene: FANCM (FA complementation group M; plus strand). Cytogenetic location: 14q21.2.
Variant type: single nucleotide variant.
Coding change: c.2624T>C on transcript NM_020937.4 (MANE Select); coding-DNA position 2624, T replaced by C.
Protein change: p.Ile875Thr; replaces isoleucine 875 with threonine.
Molecular consequence: missense variant.
Genome position (GRCh38, 1-based): chr14:45,175,378, T>C. VCF-style: chr14-45175378-T-C. GRCh37 (hg19) VCF-style: chr14-45644581-T-C.
Other names: c.2624T>C (LRG_502t1); c.2546T>C, p.Ile849Thr (NM_001308133.2); short protein forms I875T, I849T.
Identifiers: ClinVar variation 653144 (VCV000653144.11), dbSNP rs1594797856, ClinGen allele CA389598261.

ClinVar aggregate classification (germline): Uncertain significance. Review status: criteria provided, multiple submitters, no conflicts (2 of 4 stars). 2 submissions from 2 submitters: Uncertain significance (2). Last evaluated 2023-10-04.

Conditions:
Fanconi anemia (FA). Also called: Fanconi's anemia. Identifiers: Orphanet 84, MedGen C0015625, MeSH D005199, MONDO:0019391.

Allele frequency attached by ClinVar (database versions not stated): gnomAD exomes 0.00002.
gnomAD v4.1: 22 of 1,559,366 alleles (0.0014%); highest among the groups gnomAD compares: Non-Finnish European, 0.0017%; no homozygotes.

Submissions (2):

GeneDx
Classification: Uncertain significance. Last evaluated: 2023-10-04. Review status: criteria provided, single submitter. Criteria: GeneDx Variant Classification Process June 2021. Collection method: clinical testing. Allele origin: germline. Affected: yes.
Comment: Not observed at significant frequency in large population cohorts (gnomAD); In silico analysis supports that this missense variant does not alter protein structure/function; Has not been previously published as pathogenic or benign to our knowledge

Labcorp Genetics (formerly Invitae), Labcorp
Classification: Uncertain significance for Fanconi anemia. Last evaluated: 2018-10-31. Review status: criteria provided, single submitter. Criteria: Invitae Variant Classification Sherloc (09022015). Collection method: clinical testing. Allele origin: germline.
Comment: In summary, the available evidence is currently insufficient to determine the role of this variant in disease. Therefore, it has been classified as a Variant of Uncertain Significance. Algorithms developed to predict the effect of sequence changes on RNA splicing suggest that this variant may create or strengthen a splice site, but this prediction has not been confirmed by published transcriptional studies. Algorithms developed to predict the effect of missense changes on protein structure and function output the following: SIFT: "Tolerated"; PolyPhen-2: "Benign"; Align-GVGD: "Class C0". The threonine amino acid residue is found in multiple mammalian species, suggesting that this missense change does not adversely affect protein function. These predictions have not been confirmed by published functional studies and their clinical significance is uncertain. This variant has not been reported in the literature in individuals with FANCM-related disease. This variant is not present in population databases (ExAC no frequency). This sequence change replaces isoleucine with threonine at codon 875 of the FANCM protein (p.Ile875Thr). The isoleucine residue is weakly conserved and there is a moderate physicochemical difference between isoleucine and threonine.